The following is an entry in ClinVar:

ClinVar aggregate classification (germline): Uncertain significance. Review status: criteria provided, multiple submitters, no conflicts (2 of 4 stars). 3 submissions from 3 submitters: Uncertain significance (3). Last evaluated 2026-02-13.

Conditions:
Inborn genetic diseases. Identifiers: MedGen C0950123, MeSH D030342.

Allele frequency attached by ClinVar (database versions not stated): gnomAD 0.00007.

Submissions (3):

GeneDx
Classification: Uncertain significance. Last evaluated: 2026-02-13. Review status: criteria provided, single submitter. Criteria: GeneDx Variant Classification Process June 2021. Collection method: clinical testing. Allele origin: germline.
Comment: In silico analysis suggests that this missense variant does not alter protein structure/function; Has not been previously published as pathogenic or benign to our knowledge

Ambry Genetics
Classification: Uncertain significance for Inborn genetic diseases. Last evaluated: 2024-07-09. Review status: criteria provided, single submitter. Criteria: Ambry Variant Classification Scheme 2023. Collection method: clinical testing. Allele origin: germline.

Labcorp Genetics (formerly Invitae), Labcorp
Classification: Uncertain significance. Last evaluated: 2021-08-14. Review status: criteria provided, single submitter. Criteria: Invitae Variant Classification Sherloc (09022015). Collection method: clinical testing. Allele origin: germline.
Comment: This sequence change replaces glycine with arginine at codon 190 of the TPRN protein (p.Gly190Arg). The glycine residue is weakly conserved and there is a moderate physicochemical difference between glycine and arginine. The frequency data for this variant in the population databases is considered unreliable, as metrics indicate insufficient coverage at this position in the ExAC database. This variant has not been reported in the literature in individuals affected with TPRN-related conditions. Algorithms developed to predict the effect of missense changes on protein structure and function output the following: SIFT: "Tolerated"; PolyPhen-2: "Probably Damaging"; Align-GVGD: "Class C0". The arginine amino acid residue is found in multiple mammalian species, which suggests that this missense change does not adversely affect protein function. In summary, the available evidence is currently insufficient to determine the role of this variant in disease. Therefore, it has been classified as a Variant of Uncertain Significance.

NM_001128228.3(TPRN):c.568G>A (p.Gly190Arg)

Gene: TPRN (taperin; minus strand). Cytogenetic location: 9q34.3.
Variant type: single nucleotide variant.
Coding change: c.568G>A on transcript NM_001128228.3 (MANE Select); coding-DNA position 568, G replaced by A.
Protein change: p.Gly190Arg; replaces glycine 190 with arginine.
Molecular consequence: missense variant.
Genome position (GRCh38, 1-based): chr9:137,200,144, C>T on the plus strand (G>A on the coding strand, the complement: TPRN is on the minus strand). VCF-style: chr9-137200144-C-T. GRCh37 (hg19) VCF-style: chr9-140094596-C-T.
Other names: c.568G>A (NM_001128228.2); short protein forms G190R.
Identifiers: ClinVar variation 1470595 (VCV001470595.7), dbSNP rs1403325258, ClinGen allele CA375781866.
Genomic context (GRCh38, chr9:137,200,144, plus strand): 5'-GGGGGTGGACGGTGAAGGAGTTGCTGCCGGTCTTCTGGAGGAAGTCGCTGCGCCGGGCCC[C>T]GGGGCTCGCCCCGCCACCGCGGGGCCCGGGCGCGGCGGGCGGGCTGGGGGCCGCGGGCGG-3'
Protein context (NP_001121700.2, residues 180-200): PGPRGGGASP[Gly190Arg]ARRSDFLQKT